The following is an entry in ClinVar:

NM_017780.4(CHD7):c.4882G>A (p.Gly1628Arg)

Gene: CHD7 (chromodomain helicase DNA binding protein 7; plus strand). Cytogenetic location: 8q12.2.
Variant type: single nucleotide variant.
Coding change: c.4882G>A on transcript NM_017780.4 (MANE Select); coding-DNA position 4882, G replaced by A.
Protein change: p.Gly1628Arg; replaces glycine 1628 with arginine.
Molecular consequence: missense variant. On other transcripts: intron variant (1).
Genome position (GRCh38, 1-based): chr8:60,844,895, G>A. VCF-style: chr8-60844895-G-A. GRCh37 (hg19) VCF-style: chr8-61757454-G-A.
Other names: c.1717-17334G>A (NM_001316690.1); short protein forms G1628R.
Identifiers: ClinVar variation 1695232 (VCV001695232.33), dbSNP rs944955791, ClinGen allele CA177351055.

ClinVar aggregate classification (germline): Uncertain significance. Review status: criteria provided, multiple submitters, no conflicts (2 of 4 stars). 2 submissions from 2 submitters: Uncertain significance (2). Last evaluated 2024-05-05.

Conditions:
CHARGE syndrome (CHARGE). Also called: Coloboma, heart anomaly, choanal atresia, retardation, genital and ear anomalies; CHARGE association; Hall-Hittner syndrome; Hittner Hirsch Kreh syndrome; CHARGE ASSOCIATION--COLOBOMA, HEART ANOMALY, CHOANAL ATRESIA, RETARDATION, GENITAL AND EAR ANOMALIES. Identifiers: Orphanet 138, MedGen C0265354, MONDO:0008965.

Allele frequency attached by ClinVar (database versions not stated): gnomAD exomes below 0.00001.
gnomAD v4.1: 1 of 1,607,690 alleles (0.000062%); highest among the groups gnomAD compares: Non-Finnish European, 0.000085%; no homozygotes.

Submissions (2):

Labcorp Genetics (formerly Invitae), Labcorp
Classification: Uncertain significance for CHARGE syndrome. Last evaluated: 2024-05-05. Review status: criteria provided, single submitter. Criteria: Invitae Variant Classification Sherloc (09022015). Collection method: clinical testing. Allele origin: germline.
Comment: This sequence change replaces glycine, which is neutral and non-polar, with arginine, which is basic and polar, at codon 1628 of the CHD7 protein (p.Gly1628Arg). This variant is not present in population databases (gnomAD no frequency). This variant has not been reported in the literature in individuals affected with CHD7-related conditions. ClinVar contains an entry for this variant (Variation ID: 1695232). Advanced modeling of protein sequence and biophysical properties (such as structural, functional, and spatial information, amino acid conservation, physicochemical variation, residue mobility, and thermodynamic stability) performed at Invitae indicates that this missense variant is expected to disrupt CHD7 protein function with a positive predictive value of 95%. Algorithms developed to predict the effect of sequence changes on RNA splicing suggest that this variant may disrupt the consensus splice site. In summary, the available evidence is currently insufficient to determine the role of this variant in disease. Therefore, it has been classified as a Variant of Uncertain Significance.

CeGaT Center for Human Genetics Tuebingen
Classification: Uncertain significance. Last evaluated: 2022-05-01. Review status: criteria provided, single submitter. Criteria: CeGaT Center For Human Genetics Tuebingen Variant Classification Criteria Version 2. Collection method: clinical testing. Allele origin: germline. Affected: yes. Observed: 1 variant allele.
Comment: CHD7: PM2, PP3